The following is an entry in ClinVar:

NM_000038.6(APC):c.645+5258C>A

Gene: APC (APC regulator of WNT signaling pathway; plus strand). Cytogenetic location: 5q22.2.
Variant type: single nucleotide variant.
Coding change: c.645+5258C>A on transcript NM_000038.6 (MANE Select); 5258 bases into the intron after coding-DNA position 645, C replaced by A.
Molecular consequence: intron variant.
Genome position (GRCh38, 1-based): chr5:112,786,161, C>A. VCF-style: chr5-112786161-C-A. GRCh37 (hg19) VCF-style: chr5-112121858-C-A.
Other names: c.645+5258C>A (NM_001354895.2, NM_001127510.3, NM_001354896.2 and 2 more transcripts); c.675+5258C>A (NM_001354897.2, NM_001354902.2, NM_001127511.3); c.570+5258C>A (NM_001354898.2, NM_001354904.2); c.-391+5258C>A (NM_001354906.2); c.468+5258C>A (NM_001354900.2, NM_001354901.2, NM_001354905.2).
Identifiers: ClinVar variation 82965 (VCV000082965.2), dbSNP rs80039558, ClinGen allele CA011578.

ClinVar aggregate classification (germline): other (0 of 4 stars; one submission).

Conditions:
Familial colorectal cancer. Identifiers: MedGen CN280943, MONDO:0023113. Disease mechanism: loss of function.

Allele frequency attached by ClinVar (database versions not stated): TOPMed 0.00003.

Submission:

Systems Biology Platform Zhejiang California International NanoSystems Institute
Classification: other for Familial colorectal cancer. Review status: no assertion criteria provided. Collection method: not provided. Allele origin: unknown.
ClinVar note: Converted during submission from cancer to other.